The following is an entry in ClinVar:

NM_001365999.1(SZT2):c.3851C>T (p.Pro1284Leu)

Gene: SZT2 (SZT2 subunit of KICSTOR complex; plus strand). Cytogenetic location: 1p34.2.
Variant type: single nucleotide variant.
Coding change: c.3851C>T on transcript NM_001365999.1 (MANE Select); coding-DNA position 3851, C replaced by T.
Protein change: p.Pro1284Leu; replaces proline 1284 with leucine.
Molecular consequence: missense variant.
Genome position (GRCh38, 1-based): chr1:43,428,050, C>T. VCF-style: chr1-43428050-C-T. GRCh37 (hg19) VCF-style: chr1-43893721-C-T.
Other names: c.3680C>T, p.Pro1227Leu (NM_015284.4); short protein forms P1284L, P1227L.
Identifiers: ClinVar variation 949990 (VCV000949990.9), dbSNP rs1228879995, ClinGen allele CA340019442.

ClinVar aggregate classification (germline): Uncertain significance. Review status: criteria provided, multiple submitters, no conflicts (2 of 4 stars). 3 submissions from 3 submitters: Uncertain significance (3). Last evaluated 2023-04-11.

Conditions:
Inborn genetic diseases. Identifiers: MedGen C0950123, MeSH D030342.
Developmental and epileptic encephalopathy, 18 (DEE18). Also called: Early infantile epileptic encephalopathy 18. Identifiers: Orphanet 369894, MedGen C3809624, MONDO:0014201, OMIM 615476.

Allele frequency attached by ClinVar (database versions not stated): gnomAD exomes below 0.00001; TOPMed 0.00001; gnomAD 0.00002.
gnomAD v4.1: 10 of 1,614,046 alleles (0.00062%); highest among the groups gnomAD compares: Non-Finnish European, 0.00076%; no homozygotes.

Submissions (3):

Genome-Nilou Lab
Classification: Uncertain significance for Developmental and epileptic encephalopathy, 18. Last evaluated: 2023-04-11. Review status: criteria provided, single submitter. Criteria: ACMG Guidelines, 2015. Collection method: clinical testing. Allele origin: germline. Affected: no.

Labcorp Genetics (formerly Invitae), Labcorp
Classification: Uncertain significance. Last evaluated: 2021-09-01. Review status: criteria provided, single submitter. Criteria: Invitae Variant Classification Sherloc (09022015). Collection method: clinical testing. Allele origin: germline.
Comment: This sequence change replaces proline with leucine at codon 1227 of the SZT2 protein (p.Pro1227Leu). The proline residue is highly conserved and there is a moderate physicochemical difference between proline and leucine. This variant is not present in population databases (ExAC no frequency). This variant has not been reported in the literature in individuals affected with SZT2-related conditions. Algorithms developed to predict the effect of missense changes on protein structure and function (SIFT, PolyPhen-2, Align-GVGD) all suggest that this variant is likely to be disruptive. In summary, the available evidence is currently insufficient to determine the role of this variant in disease. Therefore, it has been classified as a Variant of Uncertain Significance.

Ambry Genetics
Classification: Uncertain significance for Inborn genetic diseases. Last evaluated: 2018-01-03. Review status: criteria provided, single submitter. Criteria: Ambry Variant Classification Scheme 2023. Collection method: clinical testing. Allele origin: germline.
Comment: The p.P1227L variant (also known as c.3680C>T), located in coding exon 26 of the SZT2 gene, results from a C to T substitution at nucleotide position 3680. The proline at codon 1227 is replaced by leucine, an amino acid with similar properties. This amino acid position is well conserved in available vertebrate species. In addition, this alteration is predicted to be tolerated by in silico analysis. Since supporting evidence is limited at this time, the clinical significance of this alteration remains unclear.